The following is an entry in ClinVar:

ClinVar aggregate classification (germline): Likely benign. Review status: criteria provided, multiple submitters, no conflicts (2 of 4 stars). 6 submissions from 6 submitters: Likely benign (6). Last evaluated 2025-12-27.

Conditions:
Familial thoracic aortic aneurysm and aortic dissection (TAAD). Also called: Thoracic aortic aneurysms and dissections. Identifiers: Orphanet 91387, MedGen C4707243, MONDO:0019625.
Loeys-Dietz syndrome 2 (LDS2). Also called: TGFBR2-Related Loeys-Dietz Syndrome; Marfan syndrome, type 2 (formerly); AORTIC ANEURYSM, FAMILIAL THORACIC 3; MARFAN SYNDROME, TYPE II; Marfan Syndrome type 2; Marfan like connective tissue disorder. Identifiers: Orphanet 284973, Orphanet 558, MedGen C2674574, MONDO:0012427, OMIM 610168.

Allele frequency attached by ClinVar (database versions not stated): ExAC 0.00001; gnomAD exomes 0.00002 and 0.00003; gnomAD 0.00003 and 0.00004; TOPMed 0.00003.
gnomAD v4.1: 43 of 1,613,954 alleles (0.0027%); highest among the groups gnomAD compares: South Asian, 0.0044%; no homozygotes.

Submissions (6):

Labcorp Genetics (formerly Invitae), Labcorp
Classification: Likely benign for Familial thoracic aortic aneurysm and aortic dissection. Last evaluated: 2025-12-27. Review status: criteria provided, single submitter. Criteria: Invitae Variant Classification Sherloc (09022015). Collection method: clinical testing. Allele origin: germline.

All of Us Research Program, National Institutes of Health
Classification: Likely benign for Loeys-Dietz syndrome 2. Last evaluated: 2023-10-06. Review status: criteria provided, single submitter. Criteria: ACMG Guidelines, 2015. Collection method: clinical testing. Allele origin: germline. Inheritance: Autosomal dominant inheritance. Observed: 3 variant alleles, 3 heterozygotes.
Comment: This study involves interpretation of variants in research participants for the purpose of population health screening. Participant phenotype was not available at the time of variant classification. Additional details can be found in publication PMID: 35346344, PMCID: PMC8962531

Ambry Genetics
Classification: Likely benign for Familial thoracic aortic aneurysm and aortic dissection. Last evaluated: 2021-06-22. Review status: criteria provided, single submitter. Criteria: Ambry Variant Classification Scheme 2023. Collection method: clinical testing. Allele origin: germline.

Blueprint Genetics
Classification: Likely benign. Last evaluated: 2019-10-24. Review status: criteria provided, single submitter. Criteria: ACMG Guidelines, 2015. Collection method: clinical testing. Allele origin: germline.

Color Diagnostics, LLC DBA Color Health
Classification: Likely benign for Familial thoracic aortic aneurysm and aortic dissection. Last evaluated: 2018-11-09. Review status: criteria provided, single submitter. Criteria: ACMG Guidelines, 2015. Collection method: clinical testing. Allele origin: germline.

GeneDx
Classification: Likely benign. Last evaluated: 2017-11-13. Review status: criteria provided, single submitter. Criteria: GeneDx Variant Classification (06012015). Collection method: clinical testing. Allele origin: germline. Affected: yes.
Comment: This variant is considered likely benign or benign based on one or more of the following criteria: it is a conservative change, it occurs at a poorly conserved position in the protein, it is predicted to be benign by multiple in silico algorithms, and/or has population frequency not consistent with disease.

NM_003242.6(TGFBR2):c.1569C>T (p.His523=)

Gene: TGFBR2 (transforming growth factor beta receptor 2; plus strand). Cytogenetic location: 3p24.1.
Variant type: single nucleotide variant.
Coding change: c.1569C>T on transcript NM_003242.6 (MANE Select); coding-DNA position 1569, C replaced by T.
Protein change: p.His523=; no amino-acid change (histidine 523 retained).
Molecular consequence: synonymous variant.
Genome position (GRCh38, 1-based): chr3:30,691,464, C>T. VCF-style: chr3-30691464-C-T. GRCh37 (hg19) VCF-style: chr3-30732956-C-T.
Other names: c.1644C>T, p.His548= (NM_001024847.3); c.1752C>T, p.His584= (NM_001407126.1); c.1677C>T, p.His559= (NM_001407127.1); c.1596C>T, p.His532= (NM_001407128.1); c.1572C>T, p.His524= (NM_001407129.1); c.1566C>T, p.His522= (NM_001407130.1); c.1464C>T, p.His488= (NM_001407132.1, NM_001407133.1, NM_001407134.1 and 2 more transcripts); c.1284C>T, p.His428= (NM_001407137.1); and 2 more.
Identifiers: ClinVar variation 477543 (VCV000477543.15), dbSNP rs760107571, ClinGen allele CA047065.